The following is an entry in ClinVar:

NM_000213.5(ITGB4):c.469+4C>T

Gene: ITGB4 (integrin subunit beta 4; plus strand). Cytogenetic location: 17q25.1.
Variant type: single nucleotide variant.
Coding change: c.469+4C>T on transcript NM_000213.5 (MANE Select); 4 bases into the intron after coding-DNA position 469, C replaced by T.
Molecular consequence: intron variant.
Genome position (GRCh38, 1-based): chr17:75,727,859, C>T. VCF-style: chr17-75727859-C-T. GRCh37 (hg19) VCF-style: chr17-73723940-C-T.
Other names: c.469+4C>T (NM_001005619.2, NM_001005731.3, NM_001438834.1 and 1 more transcripts).
Identifiers: ClinVar variation 2073354 (VCV002073354.6), dbSNP rs375645302, ClinGen allele CA8768665.

ClinVar aggregate classification (germline): Benign. Review status: criteria provided, single submitter (1 of 4 stars). 2 submissions from 2 submitters: Benign (1). 1 of the submissions does not count toward it. Last evaluated 2026-01-19.

Conditions:
ITGB4-related disorder. Also called: ITGB4-related condition.

Allele frequency attached by ClinVar (database versions not stated): ESP Exome Variant Server 0.00008; TOPMed 0.00008; gnomAD 0.00036; gnomAD exomes 0.00051; ExAC 0.00106; 1000 Genomes Project 30x 0.00109; 1000 Genomes Project 0.00140.
gnomAD v4.1: 790 of 1,613,310 alleles (0.049%); highest among the groups gnomAD compares: South Asian, 0.81%; 7 homozygotes.

Submissions (2):

Labcorp Genetics (formerly Invitae), Labcorp
Classification: Benign. Last evaluated: 2026-01-19. Review status: criteria provided, single submitter. Criteria: Invitae Variant Classification Sherloc (09022015). Collection method: clinical testing. Allele origin: germline.

PreventionGenetics, part of Exact Sciences
Classification: Benign for ITGB4-related condition. Last evaluated: 2019-06-10. Review status: no assertion criteria provided. Collection method: clinical testing. Allele origin: germline. Not counted in ClinVar's aggregate classification.
Comment: This variant is classified as benign based on ACMG/AMP sequence variant interpretation guidelines (Richards et al. 2015 PMID: 25741868, with internal and published modifications).